The following is an entry in ClinVar:

NM_000465.4(BARD1):c.1134_1136delinsC (p.Arg378fs)

Gene: BARD1 (BRCA1 associated RING domain 1; minus strand). Cytogenetic location: 2q35.
Variant type: Indel.
Coding change: c.1134_1136delinsC on transcript NM_000465.4 (MANE Select); coding-DNA positions 1134 to 1136, GAA replaced by C.
Protein change: p.Arg378fs; shifts the reading frame from arginine 378.
Molecular consequence: frameshift variant. On other transcripts: non-coding transcript variant (2), intron variant (3).
Genome position (GRCh38, 1-based): chr2:214,780,738-214,780,740, TTC replaced by G on the plus strand (GAA replaced by C on the coding strand, the reverse complement: BARD1 is on the minus strand). VCF-style: chr2-214780738-TTC-G. GRCh37 (hg19) VCF-style: chr2-215645462-TTC-G.
Other names: c.1077_1079delinsC, p.Arg359fs (NM_001282543.2); c.159-28185_159-28183delinsC (NM_001282548.2); c.215+16321_215+16323delinsC (NM_001282545.2); c.364+11557_364+11559delinsC (NM_001282549.2); short protein forms R359fs, R378fs.
Identifiers: ClinVar variation 2583562 (VCV002583562.2), dbSNP rs2469503239, ClinGen allele CA2582342100.

ClinVar aggregate classification (germline): Pathogenic (1 of 4 stars; one submission).

Conditions:
Familial cancer of breast. Also called: Hereditary breast cancer; BREAST CANCER, FAMILIAL; hereditary breast carcinoma. Identifiers: Orphanet 227535, MedGen C0346153, MONDO:0016419, OMIM 114480. Disease mechanism: loss of function.

Submission:

Myriad Genetics, Inc.
Classification: Pathogenic for Familial cancer of breast. Last evaluated: 2023-05-22. Review status: criteria provided, single submitter. Criteria: Myriad Autosomal Dominant, Autosomal Recessive and X-Linked Classification Criteria (2023). Collection method: clinical testing. Allele origin: unknown.
Comment: This variant is considered pathogenic. This variant creates a frameshift predicted to result in premature protein truncation.